The following is an entry in ClinVar:

NM_022047.4(DEF6):c.1423C>G (p.Gln475Glu)

Gene: DEF6 (DEF6 guanine nucleotide exchange factor; plus strand). Cytogenetic location: 6p21.31.
Variant type: single nucleotide variant.
Coding change: c.1423C>G on transcript NM_022047.4 (MANE Select); coding-DNA position 1423, C replaced by G.
Protein change: p.Gln475Glu; replaces glutamine 475 with glutamic acid.
Molecular consequence: missense variant.
Genome position (GRCh38, 1-based): chr6:35,319,859, C>G. VCF-style: chr6-35319859-C-G. GRCh37 (hg19) VCF-style: chr6-35287636-C-G.
Other names: short protein forms Q475E.
Identifiers: ClinVar variation 1424270 (VCV001424270.6), dbSNP rs758504645, ClinGen allele CA3770933.

ClinVar aggregate classification (germline): Uncertain significance (1 of 4 stars; one submission).

Allele frequency attached by ClinVar (database versions not stated): gnomAD exomes below 0.00001 and 0.00001; ExAC 0.00002.
gnomAD v4.1: 6 of 1,587,798 alleles (0.00038%); highest among the groups gnomAD compares: South Asian, 0.0068%; no homozygotes.

Submission:

Labcorp Genetics (formerly Invitae), Labcorp
Classification: Uncertain significance. Last evaluated: 2021-11-02. Review status: criteria provided, single submitter. Criteria: Invitae Variant Classification Sherloc (09022015). Collection method: clinical testing. Allele origin: germline.
Comment: In summary, the available evidence is currently insufficient to determine the role of this variant in disease. Therefore, it has been classified as a Variant of Uncertain Significance. The frequency data for this variant in the population databases is considered unreliable, as metrics indicate poor data quality at this position in the gnomAD database. This sequence change replaces glutamine, which is neutral and polar, with glutamic acid, which is acidic and polar, at codon 475 of the DEF6 protein (p.Gln475Glu). This variant has not been reported in the literature in individuals affected with DEF6-related conditions. Algorithms developed to predict the effect of missense changes on protein structure and function (SIFT, PolyPhen-2, Align-GVGD) all suggest that this variant is likely to be tolerated.